The following is an entry in ClinVar:

NM_000484.4(APP):c.2125G>A (p.Gly709Ser)

Gene: APP (amyloid beta precursor protein; minus strand). Cytogenetic location: 21q21.3.
Variant type: single nucleotide variant.
Coding change: c.2125G>A on transcript NM_000484.4 (MANE Select); coding-DNA position 2125, G replaced by A.
Protein change: p.Gly709Ser; replaces glycine 709 with serine.
Molecular consequence: missense variant.
Genome position (GRCh38, 1-based): chr21:25,891,808, C>T on the plus strand (G>A on the coding strand, the complement: APP is on the minus strand). VCF-style: chr21-25891808-C-T. GRCh37 (hg19) VCF-style: chr21-27264120-C-T.
Other names: c.2053G>A, p.Gly685Ser (NM_001136016.3); c.1732G>A, p.Gly578Ser (NM_001136129.3); c.1957G>A, p.Gly653Ser (NM_001136130.3, NM_001385253.1); c.1795G>A, p.Gly599Ser (NM_001136131.3); c.2071G>A, p.Gly691Ser (NM_001204301.2); c.2014G>A, p.Gly672Ser (NM_001204302.2); c.1846G>A, p.Gly616Ser (NM_001204303.2); c.2068G>A, p.Gly690Ser (NM_201413.3); and 1 more; short protein forms G709S, G616S, G653S, G685S, G599S, G690S, G634S, G578S.
Identifiers: ClinVar variation 638317 (VCV000638317.11), dbSNP rs201269325, ClinGen allele CA9987055.

ClinVar aggregate classification (germline): Conflicting classifications of pathogenicity. Review status: criteria provided, conflicting classifications (1 of 4 stars). 3 submissions from 2 submitters: Likely pathogenic (2); Uncertain significance (1). Last evaluated 2024-12-07.

Conditions:
Hereditary cerebral hemorrhage with amyloidosis. Also called: Cerebral Amyloid Angiopathy, Hereditary. Identifiers: Orphanet 85458, MedGen C1510489, MONDO:0005620.
Cerebral amyloid angiopathy, APP-related. Also called: AMYLOIDOSIS, CEREBROARTERIAL, APP-RELATED; Cerebral amyloid angiopathy, Dutch, Italian, Iowa, Flemish, Arctic variants. Identifiers: Orphanet 100006, Orphanet 324703, Orphanet 324708, Orphanet 324713, Orphanet 324718, Orphanet 324723, Orphanet 85458, MedGen C2751536, MONDO:0011583, OMIM 605714.
Alzheimer disease. Also called: Presenile and senile dementia; Alzheimer's disease. Identifiers: Orphanet 1020, MedGen C0002395, MeSH D000544, MONDO:0004975, HP:0002511.

Allele frequency attached by ClinVar (database versions not stated): gnomAD 0.00003; gnomAD exomes 0.00003 and 0.00004; TOPMed 0.00004.
gnomAD v4.1: 53 of 1,613,872 alleles (0.0033%); highest among the groups gnomAD compares: Middle Eastern, 0.016%; no homozygotes.

Submissions (3):

Labcorp Genetics (formerly Invitae), Labcorp
Classification: Uncertain significance for Alzheimer disease. Last evaluated: 2024-12-07. Review status: criteria provided, single submitter. Criteria: Invitae Variant Classification Sherloc (09022015). Collection method: clinical testing. Allele origin: germline.
Comment: This sequence change replaces glycine, which is neutral and non-polar, with serine, which is neutral and polar, at codon 709 of the APP protein (p.Gly709Ser). This variant is present in population databases (rs201269325, gnomAD 0.02%). This missense change has been observed in individual(s) with Parkinson disease and dementia (PMID: 25604855). ClinVar contains an entry for this variant (Variation ID: 638317). Invitae Evidence Modeling of protein sequence and biophysical properties (such as structural, functional, and spatial information, amino acid conservation, physicochemical variation, residue mobility, and thermodynamic stability) indicates that this missense variant is expected to disrupt APP protein function with a positive predictive value of 95%. In summary, the available evidence is currently insufficient to determine the role of this variant in disease. Therefore, it has been classified as a Variant of Uncertain Significance.

Genomic Research Center, Shahid Beheshti University of Medical Sciences
Classification: Likely pathogenic for Cerebral amyloid angiopathy, APP-related. Last evaluated: 2019-04-27. Review status: criteria provided, single submitter. Criteria: ACMG Guidelines, 2015. Collection method: clinical testing. Allele origin: unknown. Affected: yes.

Genomic Research Center, Shahid Beheshti University of Medical Sciences
Classification: Likely pathogenic for Hereditary cerebral hemorrhage with amyloidosis. Last evaluated: 2019-04-27. Review status: criteria provided, single submitter. Criteria: ACMG Guidelines, 2015. Collection method: clinical testing. Allele origin: unknown. Affected: yes.

Literature cited by the submitters: PubMed 25604855 (cited by Labcorp Genetics (formerly Invitae), Labcorp).